The following is an entry in ClinVar:

NM_001903.5(CTNNA1):c.1547-13G>T

Gene: CTNNA1 (catenin alpha 1; plus strand). Cytogenetic location: 5q31.2.
Variant type: single nucleotide variant.
Coding change: c.1547-13G>T on transcript NM_001903.5 (MANE Select); 13 bases into the intron before coding-DNA position 1547, G replaced by T.
Molecular consequence: intron variant.
Genome position (GRCh38, 1-based): chr5:138,924,497, G>T. VCF-style: chr5-138924497-G-T. GRCh37 (hg19) VCF-style: chr5-138260186-G-T.
Other names: c.194-13G>T (NM_001324012.1, NM_001324013.1); c.98-13G>T (NM_001324010.1, NM_001324008.1, NM_001324007.1 and 2 more transcripts); c.344-13G>T (NM_001324011.1); c.437-13G>T (NM_001323989.1, NM_001324004.1, NM_001323987.1 and 17 more transcripts); c.1547-13G>T (NM_001323982.2, NM_001323984.2, NM_001290307.3 and 2 more transcripts); c.1454-13G>T (NM_001323986.2); c.1178-13G>T (NM_001290310.3); c.1238-13G>T (NM_001290309.3).
Identifiers: ClinVar variation 3773345 (VCV003773345.1).
Genomic context (GRCh38, chr5:138,924,497, plus strand): 5'-AGATGCCAGCTTACAGTTGCCACCTTTTCATAGAAAGCCTCCTTCCTCATTCAACTTTTT[G>T]CTTGTTCTCCAGAGAATCACATTTTGGAAGATGTGAACAAATGTGTCATTGCTCTCCAAG-3'

ClinVar aggregate classification (germline): Likely benign (1 of 4 stars; one submission).

Conditions:
Hereditary diffuse gastric adenocarcinoma (HDGC). Also called: DIFFUSE GASTRIC AND LOBULAR BREAST CANCER SYNDROME. Identifiers: Orphanet 26106, MedGen C1708349, MONDO:0007648, OMIM 137215.

Submission:

Myriad Genetics, Inc.
Classification: Likely benign for Hereditary diffuse gastric adenocarcinoma. Last evaluated: 2024-10-11. Review status: criteria provided, single submitter. Criteria: Myriad Autosomal Dominant, Autosomal Recessive and X-Linked Classification Criteria (2023). Collection method: clinical testing. Allele origin: unknown.
Comment: This variant is considered likely benign. This variant is intronic and is not expected to impact mRNA splicing.